The following is an entry in ClinVar:

NM_001031725.6(DDX59):c.1597-6T>G

Gene: DDX59 (DEAD-box helicase 59; minus strand). Cytogenetic location: 1q32.1.
Variant type: single nucleotide variant.
Coding change: c.1597-6T>G on transcript NM_001031725.6 (MANE Select); 6 bases into the intron before coding-DNA position 1597, T replaced by G.
Molecular consequence: intron variant.
Genome position (GRCh38, 1-based): chr1:200,644,523, A>C on the plus strand (T>G on the coding strand, the complement: DDX59 is on the minus strand). VCF-style: chr1-200644523-A-C. GRCh37 (hg19) VCF-style: chr1-200613651-A-C.
Other names: c.1597-3338T>G (NM_001349802.3); c.1597-3267T>G (NM_001320181.2); c.1063-6T>G (NM_001349804.2); c.1345-6T>G (NM_001349803.3); c.1468-6T>G (NM_001349801.3); c.1597-6T>G (NM_001349799.3, NM_001349800.3); c.1255-6T>G (NM_001320182.1).
Identifiers: ClinVar variation 1299500 (VCV001299500.1), dbSNP rs546799731, ClinGen allele CA2499214395.
Genomic context (GRCh38, chr1:200,644,523, plus strand): 5'-TATTGATGAAAGTAATCGCTGTTCCATTTTGACCTAATCTTCCTACTCTTCCAATCTGAA[A>C]TAAAATGCAAAGAACATTTTCAAGATGTCCATGTAAAATCTTAGTGTCTTTTGAAAGAAA-3'

ClinVar aggregate classification (germline): Likely pathogenic (1 of 4 stars; one submission).

Conditions:
Orofaciodigital syndrome V. Also called: OFDS V; ORAL-FACIAL-DIGITAL SYNDROME, TYPE V; OROFACIODIGITAL SYNDROME, THURSTON TYPE; THURSTON SYNDROME. Identifiers: Orphanet 2919, MedGen C1868118, MONDO:0008267, OMIM 174300.

Allele frequency attached by ClinVar (database versions not stated): gnomAD exomes below 0.00001.
gnomAD v4.1: 5 of 1,553,858 alleles (0.00032%); highest among the groups gnomAD compares: Non-Finnish European, 0.00043%; no homozygotes.

Submission:

Laboratory of Medical Genetics, National & Kapodistrian University of Athens
Classification: Likely pathogenic for Orofaciodigital syndrome V. Last evaluated: 2021-10-01. Review status: criteria provided, single submitter. Criteria: ACMG Guidelines, 2015. Collection method: clinical testing. Allele origin: unknown. Affected: yes.
Comment: PM2, PM3, PP3, PP4

Literature cited by the submitters: PubMed 34008892.